The following is an entry in ClinVar:

ClinVar aggregate classification (germline): Uncertain significance (1 of 4 stars; one submission).

Allele frequency attached by ClinVar (database versions not stated): gnomAD exomes below 0.00001.
gnomAD v4.1: 5 of 1,608,960 alleles (0.00031%); highest among the groups gnomAD compares: Non-Finnish European, 0.00042%; no homozygotes.

Submission:

GeneDx
Classification: Uncertain significance. Last evaluated: 2022-08-22. Review status: criteria provided, single submitter. Criteria: GeneDx Variant Classification Process June 2021. Collection method: clinical testing. Allele origin: germline. Affected: yes.
Comment: Not observed at significant frequency in large population cohorts (gnomAD); In silico analysis supports that this missense variant does not alter protein structure/function; Has not been previously published as pathogenic or benign to our knowledge

NM_014991.6(WDFY3):c.1574A>G (p.Gln525Arg)

Gene: WDFY3 (WD repeat and FYVE domain containing 3; minus strand). Cytogenetic location: 4q21.23.
Variant type: single nucleotide variant.
Coding change: c.1574A>G on transcript NM_014991.6 (MANE Select); coding-DNA position 1574, A replaced by G.
Protein change: p.Gln525Arg; replaces glutamine 525 with arginine.
Molecular consequence: missense variant.
Genome position (GRCh38, 1-based): chr4:84,821,101, T>C on the plus strand (A>G on the coding strand, the complement: WDFY3 is on the minus strand). VCF-style: chr4-84821101-T-C. GRCh37 (hg19) VCF-style: chr4-85742254-T-C.
Other names: short protein forms Q525R.
Identifiers: ClinVar variation 2430480 (VCV002430480.1), dbSNP rs2534637877, ClinGen allele CA357571711.
Genomic context (GRCh38, chr4:84,821,101, plus strand): 5'-AACCCCTTTTCAAATAAAAATAAAATTACAGACAATACTTTACCTTGTTCATTTAGTGCC[T>C]GAGTTGGATCCTTCAACAGGGCAGCATATTTATGCAAAAGGTTTACCATGACCTCCAAAA-3'
Protein context (NP_055806.2, residues 515-535): KYAALLKDPT[Gln525Arg]ALNEQGDSRN